The following is an entry in ClinVar:

NM_001036.6(RYR3):c.2309A>G (p.Asn770Ser)

Gene: RYR3 (ryanodine receptor 3; plus strand). Cytogenetic location: 15q14.
Variant type: single nucleotide variant.
Coding change: c.2309A>G on transcript NM_001036.6 (MANE Select); coding-DNA position 2309, A replaced by G.
Protein change: p.Asn770Ser; replaces asparagine 770 with serine.
Molecular consequence: missense variant.
Genome position (GRCh38, 1-based): chr15:33,613,327, A>G. VCF-style: chr15-33613327-A-G. GRCh37 (hg19) VCF-style: chr15-33905528-A-G.
Other names: c.2309A>G, p.Asn770Ser (NM_001243996.4); short protein forms N770S.
Identifiers: ClinVar variation 4885857 (VCV004885857.2).

ClinVar aggregate classification (germline): Uncertain significance (1 of 4 stars; one submission).

Submission:

Dasa
Classification: Uncertain significance. Last evaluated: 2026-04-16. Review status: criteria provided, single submitter. Criteria: DASA Assertion Criteria. Collection method: clinical testing. Allele origin: germline.
Comment: NM_001036.6(RYR3):c.2309A>G (p.Asn770Ser) is a missense variant that results in the substitution of asparagine with serine. This variant is rare in population databases. The currently available literature and clinical evidence are not sufficient to establish a definitive association between this variant and the reported condition. Therefore, this variant is classified as a variant of uncertain significance.